The following is an entry in ClinVar:

ClinVar aggregate classification (germline): Uncertain significance (1 of 4 stars; one submission).

Conditions:
Emery-Dreifuss muscular dystrophy 4, autosomal dominant (EDMD4). Also called: EMERY-DREIFUSS MUSCULAR DYSTROPHY 4 WITH VARIABLE FEATURES. Identifiers: Orphanet 261, MedGen C2751807, MONDO:0013071, OMIM 612998.
Autosomal recessive ataxia, Beauce type. Also called: SYNE1 Deficiency; Spinocerebellar ataxia, autosomal recessive 8; ATAXIA, RECESSIVE, OF BEAUCE; SYNE1-Related Autosomal Recessive Cerebellar Ataxia. Identifiers: Orphanet 88644, MedGen C1853116, MONDO:0012549, OMIM 610743.

Submission:

Labcorp Genetics (formerly Invitae), Labcorp
Classification: Uncertain significance for Emery-Dreifuss muscular dystrophy 4, autosomal dominant; Autosomal recessive ataxia, Beauce type. Last evaluated: 2022-02-08. Review status: criteria provided, single submitter. Criteria: Invitae Variant Classification Sherloc (09022015). Collection method: clinical testing. Allele origin: germline.
Comment: This variant has not been reported in the literature in individuals affected with SYNE1-related conditions. In summary, the available evidence is currently insufficient to determine the role of this variant in disease. Therefore, it has been classified as a Variant of Uncertain Significance. Algorithms developed to predict the effect of missense changes on protein structure and function (SIFT, PolyPhen-2, Align-GVGD) all suggest that this variant is likely to be tolerated. This variant is not present in population databases (gnomAD no frequency). This sequence change replaces glutamine, which is neutral and polar, with glutamic acid, which is acidic and polar, at codon 7161 of the SYNE1 protein (p.Gln7161Glu).

NM_182961.4(SYNE1):c.21694C>G (p.Gln7232Glu)

Gene: SYNE1 (spectrin repeat containing nuclear envelope protein 1; minus strand). Cytogenetic location: 6q25.2.
Variant type: single nucleotide variant.
Coding change: c.21694C>G on transcript NM_182961.4 (MANE Select); coding-DNA position 21694, C replaced by G.
Protein change: p.Gln7232Glu; replaces glutamine 7232 with glutamic acid.
Molecular consequence: missense variant.
Genome position (GRCh38, 1-based): chr6:152,221,009, G>C on the plus strand (C>G on the coding strand, the complement: SYNE1 is on the minus strand). VCF-style: chr6-152221009-G-C. GRCh37 (hg19) VCF-style: chr6-152542144-G-C.
Other names: c.21481C>G, p.Gln7161Glu (NM_033071.5); short protein forms Q7161E, Q7232E.
Identifiers: ClinVar variation 2094797 (VCV002094797.4), dbSNP rs751549921, ClinGen allele CA366104611.